The following is an entry in ClinVar:

NM_001142800.2(EYS):c.7684C>G (p.Leu2562Val)

Gene: EYS (eyes shut homolog; minus strand). Cytogenetic location: 6q12.
Variant type: single nucleotide variant.
Coding change: c.7684C>G on transcript NM_001142800.2 (MANE Select); coding-DNA position 7684, C replaced by G.
Protein change: p.Leu2562Val; replaces leucine 2562 with valine.
Molecular consequence: missense variant.
Genome position (GRCh38, 1-based): chr6:63,788,144, G>C on the plus strand (C>G on the coding strand, the complement: EYS is on the minus strand). VCF-style: chr6-63788144-G-C. GRCh37 (hg19) VCF-style: chr6-64498037-G-C.
Other names: c.7684C>G, p.Leu2562Val (NM_001292009.2); short protein forms L2562V.
Identifiers: ClinVar variation 1007961 (VCV001007961.7), dbSNP rs1770414327, ClinGen allele CA364384882.

ClinVar aggregate classification (germline): Uncertain significance. Review status: criteria provided, single submitter (1 of 4 stars). 2 submissions from 2 submitters: Uncertain significance (1). 1 of the submissions does not count toward it. Last evaluated 2021-09-01.

Conditions:
Retinitis pigmentosa 25 (RP25). Identifiers: Orphanet 791, MedGen C1864446, MONDO:0011272, OMIM 602772.

Allele frequency attached by ClinVar (database versions not stated): TOPMed below 0.00001.
gnomAD v4.1: 1 of 1,548,490 alleles (0.000065%); no homozygotes.

Submissions (2):

Labcorp Genetics (formerly Invitae), Labcorp
Classification: Uncertain significance. Last evaluated: 2021-09-01. Review status: criteria provided, single submitter. Criteria: Invitae Variant Classification Sherloc (09022015). Collection method: clinical testing. Allele origin: germline.
Comment: This sequence change replaces leucine with valine at codon 2562 of the EYS protein (p.Leu2562Val). The leucine residue is highly conserved and there is a small physicochemical difference between leucine and valine. This variant is not present in population databases (ExAC no frequency). This variant has not been reported in the literature in individuals affected with EYS-related conditions. Algorithms developed to predict the effect of missense changes on protein structure and function are either unavailable or do not agree on the potential impact of this missense change (SIFT: "Tolerated"; PolyPhen-2: "Probably Damaging"; Align-GVGD: "Class C0"). In summary, the available evidence is currently insufficient to determine the role of this variant in disease. Therefore, it has been classified as a Variant of Uncertain Significance.

Natera, Inc.
Classification: Uncertain significance for Retinitis pigmentosa type 25. Last evaluated: 2020-10-19. Review status: no assertion criteria provided. Collection method: clinical testing. Allele origin: germline. Not counted in ClinVar's aggregate classification.